The following is an entry in ClinVar:

ClinVar aggregate classification (germline): Likely pathogenic (1 of 4 stars; one submission).

Submission:

Labcorp Genetics (formerly Invitae), Labcorp
Classification: Likely pathogenic. Last evaluated: 2025-06-23. Review status: criteria provided, single submitter. Criteria: Invitae Variant Classification Sherloc (09022015). Collection method: clinical testing. Allele origin: germline.
Comment: This sequence change affects a donor splice site in intron 16 of the CFH gene. It is expected to disrupt RNA splicing. Variants that disrupt the donor or acceptor splice site typically lead to a loss of protein function (PMID: 16199547), and loss-of-function variants in CFH are known to be pathogenic (PMID: 11170896, 14978182, 16621965, 23870792, 25188723). This variant is not present in population databases (gnomAD no frequency). Disruption of this splice site has been observed in individual(s) with clinical features of CFH-related conditions (PMID: 27268256, 37369098). Algorithms developed to predict the effect of sequence changes on RNA splicing suggest that this variant may disrupt the consensus splice site. In summary, the currently available evidence indicates that the variant is pathogenic, but additional data are needed to prove that conclusively. Therefore, this variant has been classified as Likely Pathogenic.

Literature cited by the submitters: PubMed 16199547; PubMed 11170896; PubMed 14978182; PubMed 16621965; PubMed 23870792; PubMed 25188723; PubMed 27268256; PubMed 37369098.

NM_000186.4(CFH):c.2596+1G>A

Gene: CFH (complement factor H; plus strand). Cytogenetic location: 1q31.3.
Variant type: single nucleotide variant.
Coding change: c.2596+1G>A on transcript NM_000186.4 (MANE Select); the canonical splice donor site of the intron after coding-DNA position 2596, G replaced by A.
Molecular consequence: splice donor variant.
Genome position (GRCh38, 1-based): chr1:196,737,007, G>A. VCF-style: chr1-196737007-G-A. GRCh37 (hg19) VCF-style: chr1-196706137-G-A.
Identifiers: ClinVar variation 4710685 (VCV004710685.1).